The following is an entry in ClinVar:

NM_003283.6(TNNT1):c.501+18_501+19del

Gene: TNNT1 (troponin T1, slow skeletal type; minus strand). Cytogenetic location: 19q13.42.
Variant type: Deletion.
Coding change: c.501+18_501+19del on transcript NM_003283.6 (MANE Select); bases 18 to 19 of the intron after coding-DNA position 501, 2 bases deleted (AG; older notation c.501+18_501+19delAG).
Molecular consequence: intron variant.
Genome position (GRCh38, 1-based): chr19:55,137,942-55,137,943, CT deleted on the plus strand (AG on the coding strand, the reverse complement: TNNT1 is on the minus strand); deleting any 2 consecutive bases within chr19:55,137,942-55,137,944 gives the same sequence; the c. name uses the placement nearest the transcript's 3' end. VCF-style (leftmost placement, unchanged base first): chr19-55137941-GCT-G. GRCh37 (hg19) VCF-style: chr19-55649309-GCT-G.
Other names: c.468+18_468+19del (NM_001126133.3, NM_001291774.2); c.501+18_501+19del (NM_001126132.3); c.501+18_501+19delAG (NM_003283.4).
Identifiers: ClinVar variation 508470 (VCV000508470.1), dbSNP rs1555856952, ClinGen allele CA658799309.

ClinVar aggregate classification (germline): Likely benign (1 of 4 stars; one submission).

Submission:

GeneDx
Classification: Likely benign. Last evaluated: 2017-04-03. Review status: criteria provided, single submitter. Criteria: GeneDx Variant Classification (06012015). Collection method: clinical testing. Allele origin: germline. Affected: yes.
Comment: This variant is considered likely benign or benign based on one or more of the following criteria: it is a conservative change, it occurs at a poorly conserved position in the protein, it is predicted to be benign by multiple in silico algorithms, and/or has population frequency not consistent with disease.